The following is an entry in ClinVar:

NM_025216.3(WNT10A):c.1079G>T (p.Arg360Leu)

Gene: WNT10A (Wnt family member 10A; plus strand). Cytogenetic location: 2q35.
Variant type: single nucleotide variant.
Coding change: c.1079G>T on transcript NM_025216.3 (MANE Select); coding-DNA position 1079, G replaced by T.
Protein change: p.Arg360Leu; replaces arginine 360 with leucine.
Molecular consequence: missense variant.
Genome position (GRCh38, 1-based): chr2:218,893,096, G>T. VCF-style: chr2-218893096-G-T. GRCh37 (hg19) VCF-style: chr2-219757818-G-T.
Other names: short protein forms R360L.
Identifiers: ClinVar variation 654586 (VCV000654586.10), dbSNP rs893127185, ClinGen allele CA65919289.
Genomic context (GRCh38, chr2:218,893,096, plus strand): 5'-AAAAGTCTCCCGACTTCTGCGAGCGCGAGCCGCGCCTGGACTCGGCGGGCACCGTGGGCC[G>T]CCTGTGCAACAAGAGCAGCGCCGGCTCGGATGGCTGCGGCAGCATGTGCTGCGGCCGCGG-3'
Protein context (NP_079492.2, residues 350-370): PRLDSAGTVG[Arg360Leu]LCNKSSAGSD

ClinVar aggregate classification (germline): Conflicting classifications of pathogenicity. Review status: criteria provided, conflicting classifications (1 of 4 stars). 2 submissions from 2 submitters: Pathogenic (1); Uncertain significance (1). Last evaluated 2025-07-03.

Conditions:
Tooth agenesis, selective, 4 (STHAG4). Also called: TOOTH AGENESIS, SELECTIVE, 4, WITH OR WITHOUT ECTODERMAL DYSPLASIA; SUCCEDANEOUS TEETH, AGENESIS OF; LATERAL INCISORS, ABSENCE OF; LATERAL INCISORS, PEGGED OR MISSING. Identifiers: Orphanet 99798, MedGen C1835492, MONDO:0007881, OMIM 150400. Disease mechanism: loss of function.
Odonto-onycho-dermal dysplasia. Identifiers: Orphanet 2721, MedGen C0796093, MONDO:0009773, OMIM 257980.

Allele frequency attached by ClinVar (database versions not stated): gnomAD 0.00001; gnomAD exomes below 0.00001; TOPMed 0.00002.
gnomAD v4.1: 4 of 1,596,452 alleles (0.00025%); highest among the groups gnomAD compares: Non-Finnish European, 0.00034%; no homozygotes.

Submissions (2):

Women's Health and Genetics/Laboratory Corporation of America, LabCorp
Classification: Uncertain significance. Last evaluated: 2025-07-03. Review status: criteria provided, single submitter. Criteria: LabCorp Variant Classification Summary - May 2015. Collection method: clinical testing. Allele origin: germline.
Comment: Variant summary: WNT10A c.1079G>T (p.Arg360Leu) results in a non-conservative amino acid change in the encoded protein sequence. Algorithms developed to predict the effect of missense changes on protein structure and function all suggest that this variant is likely to be disruptive. The frequency data for this variant in gnomAD is considered unreliable, as metrics indicate poor data quality at this position. c.1079G>T has been observed in multiple individual(s) affected with recessive Odonto-onycho-dermal dysplasia (Labcorp Genetics (formerly Invitae)). These data indicate that the variant may be associated with disease. To our knowledge, no experimental evidence demonstrating an impact on protein function has been reported. ClinVar contains an entry for this variant (Variation ID: 654586). Based on the evidence outlined above, the variant was classified as VUS-possibly pathogenic.

Labcorp Genetics (formerly Invitae), Labcorp
Classification: Pathogenic for Tooth agenesis, selective, 4; Odonto-onycho-dermal dysplasia. Last evaluated: 2024-02-29. Review status: criteria provided, single submitter. Criteria: Invitae Variant Classification Sherloc (09022015). Collection method: clinical testing. Allele origin: germline.
Comment: This sequence change replaces arginine, which is basic and polar, with leucine, which is neutral and non-polar, at codon 360 of the WNT10A protein (p.Arg360Leu). This variant is present in population databases (no rsID available, gnomAD 0.0009%). This missense change has been observed in individual(s) with clinical features of odontoonychodermal dysplasia (Invitae). In at least one individual the data is consistent with being in trans (on the opposite chromosome) from a pathogenic variant. ClinVar contains an entry for this variant (Variation ID: 654586). Advanced modeling of protein sequence and biophysical properties (such as structural, functional, and spatial information, amino acid conservation, physicochemical variation, residue mobility, and thermodynamic stability) performed at Invitae indicates that this missense variant is expected to disrupt WNT10A protein function with a positive predictive value of 80%. This variant disrupts the p.Arg360 amino acid residue in WNT10A. Other variant(s) that disrupt this residue have been determined to be pathogenic (PMID: 20979233; Invitae). This suggests that this residue is clinically significant, and that variants that disrupt this residue are likely to be disease-causing. For these reasons, this variant has been classified as Pathogenic.

Literature cited by the submitters: PubMed 20979233 (cited by Labcorp Genetics (formerly Invitae), Labcorp).